The following is an entry in ClinVar:

ClinVar aggregate classification (germline): Uncertain significance. Review status: criteria provided, multiple submitters, no conflicts (2 of 4 stars). 2 submissions from 2 submitters: Uncertain significance (2). Last evaluated 2026-05-14.

Conditions:
Inborn genetic diseases. Identifiers: MedGen C0950123, MeSH D030342.
Kostmann syndrome (SCN3). Also called: KOSTMANN DISEASE; Autosomal recessive severe congenital neutropenia type 3. Identifiers: Orphanet 99749, MedGen C5235141, MONDO:0012548, OMIM 610738.

Submissions (2):

Ambry Genetics
Classification: Uncertain significance for Inborn genetic diseases. Last evaluated: 2026-05-14. Review status: criteria provided, single submitter. Criteria: Ambry Variant Classification Scheme 2023. Collection method: clinical testing. Allele origin: germline.
Comment: The p.G42C variant (also known as c.124G>T), located in coding exon 2 of the HAX1 gene, results from a G to T substitution at nucleotide position 124. The glycine at codon 42 is replaced by cysteine, an amino acid with highly dissimilar properties. This amino acid position is conserved. In addition, this alteration is predicted to be tolerated by in silico analysis. Based on the available evidence, the clinical significance of this variant remains unclear.

St. Jude Molecular Pathology, St. Jude Children's Research Hospital
Classification: Uncertain significance for Kostmann syndrome. Last evaluated: 2024-03-06. Review status: criteria provided, single submitter. Criteria: St. Jude Assertion Criteria 2020. Collection method: clinical testing. Allele origin: germline.
Comment: The HAX1 c.124G>T (p.Gly42Cys) missense change has a maximum subpopulation frequency of 0.0062% in gnomAD v2.1.1. The in silico tool REVEL predicts a benign effect on protein function, but to our knowledge this prediction has not been confirmed by functional studies. To our knowledge, this variant has not been reported in individuals with HAX1-related severe congenital neutropenia. In summary, the evidence currently available is insufficient to determine the clinical significance of this variant. It has therefore been classified as of uncertain significance.

NM_006118.4(HAX1):c.124G>T (p.Gly42Cys)

Gene: HAX1 (HCLS1 associated protein X-1; plus strand). Cytogenetic location: 1q21.3.
Variant type: single nucleotide variant.
Coding change: c.124G>T on transcript NM_006118.4 (MANE Select); coding-DNA position 124, G replaced by T.
Protein change: p.Gly42Cys; replaces glycine 42 with cysteine.
Molecular consequence: missense variant. On other transcripts: intron variant (1).
Genome position (GRCh38, 1-based): chr1:154,273,406, G>T. VCF-style: chr1-154273406-G-T. GRCh37 (hg19) VCF-style: chr1-154245882-G-T.
Other names: c.54-74G>T (NM_001018837.2); short protein forms G42C.
Identifiers: ClinVar variation 3377774 (VCV003377774.2).